The following is an entry in ClinVar:

ClinVar aggregate classification (germline): Uncertain significance (1 of 4 stars; one submission).

Conditions:
Pheochromocytoma/paraganglioma syndrome 3. Also called: SDHC-Related Hereditary Paraganglioma-Pheochromocytoma Syndrome (Paragangliomas 3); SDHC-Related Hereditary Paraganglioma-Pheochromocytoma Syndrome; GLOMUS TUMORS, FAMILIAL, 3; Paragangliomas 3. Identifiers: Orphanet 29072, MedGen C1854336, MONDO:0011544, OMIM 605373.
Gastrointestinal stromal tumor. Also called: Gastrointestinal stromal tumor, somatic; Gastrointestinal stroma tumor. Identifiers: Orphanet 44890, MedGen C0238198, MeSH D046152, MONDO:0011719, OMIM 606764, HP:0100723.

Allele frequency attached by ClinVar (database versions not stated): gnomAD 0.00001.
gnomAD v4.1: 1 of 1,613,794 alleles (0.000062%); highest among the groups gnomAD compares: Admixed American, 0.0017%; no homozygotes.

Submission:

Labcorp Genetics (formerly Invitae), Labcorp
Classification: Uncertain significance for Pheochromocytoma/paraganglioma syndrome 3; Gastrointestinal stromal tumor. Last evaluated: 2025-08-18. Review status: criteria provided, single submitter. Criteria: Invitae Variant Classification Sherloc (09022015). Collection method: clinical testing. Allele origin: germline.
Comment: This sequence change replaces methionine, which is neutral and non-polar, with isoleucine, which is neutral and non-polar, at codon 67 of the SDHC protein (p.Met67Ile). This variant is not present in population databases (gnomAD no frequency). This variant has not been reported in the literature in individuals affected with SDHC-related conditions. ClinVar contains an entry for this variant (Variation ID: 1940562). An algorithm developed to predict the effect of missense changes on protein structure and function (PolyPhen-2) suggests that this variant is likely to be tolerated. This variant disrupts the p.Met67 amino acid residue in SDHC. Other variant(s) that disrupt this residue have been observed in individuals with SDHC-related conditions (PMID: 30050099; internal data), which suggests that this may be a clinically significant amino acid residue. In summary, the available evidence is currently insufficient to determine the role of this variant in disease. Therefore, it has been classified as a Variant of Uncertain Significance.

Literature cited by the submitters: PubMed 30050099.

NM_003001.5(SDHC):c.201G>A (p.Met67Ile)

Gene: SDHC (succinate dehydrogenase complex subunit C; plus strand). Cytogenetic location: 1q23.3.
Variant type: single nucleotide variant.
Coding change: c.201G>A on transcript NM_003001.5 (MANE Select); coding-DNA position 201, G replaced by A.
Protein change: p.Met67Ile; replaces methionine 67 with isoleucine.
Molecular consequence: missense variant.
Genome position (GRCh38, 1-based): chr1:161,340,615, G>A. VCF-style: chr1-161340615-G-A. GRCh37 (hg19) VCF-style: chr1-161310405-G-A.
Other names: c.201G>A, p.Met67Ile (NM_001035511.3); c.99G>A, p.Met33Ile (NM_001035512.3, NM_001278172.3, NM_001407118.1); c.42G>A, p.Met14Ile (NM_001035513.3); c.321G>A, p.Met107Ile (NM_001407115.1); c.144G>A, p.Met48Ile (NM_001407116.1, NM_001407117.1, NM_001407121.1); c.90G>A, p.Met30Ile (NM_001407119.1, NM_001407120.1); short protein forms M107I, M67I, M30I, M14I, M48I, M33I.
Identifiers: ClinVar variation 1940562 (VCV001940562.5), dbSNP rs1671685851, ClinGen allele CA343365794.
Genomic context (GRCh38, chr1:161,340,615, plus strand): 5'-TTTTCCTTTTTAAAATTGTCTTTGTGTGTTTCTTTACAGTTGGTCTCTTCCCATGGCGAT[G>A]TCCATCTGCCACCGTGGCACTGGTATTGCTTTGAGTGCAGGTATGTATATGTGTTTTTAC-3'
Protein context (NP_002992.1, residues 57-77): TIYSWSLPMA[Met67Ile]SICHRGTGIA